The following is an entry in ClinVar:

ClinVar aggregate classification (germline): Pathogenic. Review status: criteria provided, multiple submitters, no conflicts (2 of 4 stars). 3 submissions from 3 submitters: Pathogenic (3). Last evaluated 2025-01-21.

Conditions:
Hereditary cancer-predisposing syndrome. Also called: Tumor predisposition; Neoplastic Syndromes, Hereditary; Hereditary neoplastic syndrome; Hereditary Cancer Syndrome. Identifiers: Orphanet 140162, MedGen C0027672, MeSH D009386, MONDO:0015356.
BRCA2-related disorder. Also called: BRCA2-related condition; BRCA2-related disorders. Identifiers: MedGen CN239275.
Hereditary breast ovarian cancer syndrome. Also called: Hereditary breast and ovarian cancer; Hereditary breast and ovarian cancer syndrome; Hereditary breast and ovarian cancer syndrome (HBOC); Breast and ovarian cancer; Hereditary breast and/or ovarian cancer syndrome; BRCA1- and BRCA2-Associated Hereditary Breast and Ovarian Cancer. Identifiers: Orphanet 145, MedGen C0677776, MeSH D061325, MONDO:0003582. Disease mechanism: loss of function.

Submissions (3):

Ambry Genetics
Classification: Pathogenic for Hereditary cancer-predisposing syndrome. Last evaluated: 2025-01-21. Review status: criteria provided, single submitter. Criteria: Ambry Variant Classification Scheme 2023. Collection method: clinical testing. Allele origin: germline.
Comment: The c.6580delA pathogenic mutation, located in coding exon 10 of the BRCA2 gene, results from a deletion of one nucleotide at nucleotide position 6580, causing a translational frameshift with a predicted alternate stop codon (p.I2194Lfs*12). This variant is considered to be rare based on population cohorts in the Genome Aggregation Database (gnomAD). This alteration is expected to result in loss of function by premature protein truncation or nonsense-mediated mRNA decay. As such, this alteration is interpreted as a disease-causing mutation.

PreventionGenetics, part of Exact Sciences
Classification: Pathogenic for BRCA2-related condition. Last evaluated: 2023-06-27. Review status: criteria provided, single submitter. Criteria: ACMG Guidelines, 2015. Collection method: clinical testing. Allele origin: germline.
Comment: The BRCA2 c.6580delA variant is predicted to result in a frameshift and premature protein termination (p.Ile2194Leufs*12). To our knowledge, this variant has not been reported in the literature or in a large population database, indicating this variant is rare. Frameshift variants in BRCA2 are expected to be pathogenic. This variant is interpreted as pathogenic.

Labcorp Genetics (formerly Invitae), Labcorp
Classification: Pathogenic for Hereditary breast ovarian cancer syndrome. Last evaluated: 2022-12-09. Review status: criteria provided, single submitter. Criteria: Invitae Variant Classification Sherloc (09022015). Collection method: clinical testing. Allele origin: germline.
Comment: This sequence change creates a premature translational stop signal (p.Ile2194Leufs*12) in the BRCA2 gene. It is expected to result in an absent or disrupted protein product. Loss-of-function variants in BRCA2 are known to be pathogenic (PMID: 20104584). This variant is not present in population databases (gnomAD no frequency). For these reasons, this variant has been classified as Pathogenic. This variant has not been reported in the literature in individuals affected with BRCA2-related conditions.

Literature cited by the submitters: PubMed 20104584 (cited by Labcorp Genetics (formerly Invitae), Labcorp).

NM_000059.4(BRCA2):c.6580del (p.Ile2194fs)

Gene: BRCA2 (BRCA2 DNA repair associated; plus strand). Cytogenetic location: 13q13.1.
Variant type: Deletion.
Coding change: c.6580del on transcript NM_000059.4 (MANE Select); coding-DNA position 6580, one base deleted (A; older notation c.6580delA).
Protein change: p.Ile2194fs; shifts the reading frame from isoleucine 2194.
Molecular consequence: frameshift variant. On other transcripts: non-coding transcript variant (1), intron variant (2).
Genome position (GRCh38, 1-based): chr13:32,340,935, A deleted; the last of 3 consecutive A bases (chr13:32,340,933-32,340,935); deleting any one gives the same sequence. VCF-style (leftmost placement, unchanged base first): chr13-32340932-GA-G. GRCh37 (hg19) VCF-style: chr13-32915069-GA-G.
Other names: c.6580del, p.Ile2194fs (NM_001406719.1, NM_001406720.1); c.1910-3623del (NM_001406721.1); c.425-3623del (NM_001406722.1); short protein forms I2194fs.
Identifiers: ClinVar variation 2632407 (VCV002632407.5), dbSNP rs886040668, ClinGen allele CA2082816020.